The following is an entry in ClinVar:

NM_001365536.1(SCN9A):c.2105-14C>T

Genes: SCN1A-AS1 (SCN1A and SCN9A antisense RNA 1; plus strand), SCN9A (sodium voltage-gated channel alpha subunit 9; minus strand). Cytogenetic location: 2q24.3.
Variant type: single nucleotide variant.
Coding change: c.2105-14C>T on transcript NM_001365536.1 (MANE Select); 14 bases into the intron before coding-DNA position 2105, C replaced by T.
Molecular consequence: intron variant.
Genome position (GRCh38, 1-based): chr2:166,280,609, G>A on the plus strand (C>T on the coding strand, the complement: SCN9A is on the minus strand). VCF-style: chr2-166280609-G-A. GRCh37 (hg19) VCF-style: chr2-167137119-G-A.
Other names: c.2072-14C>T (NM_002977.4).
Identifiers: ClinVar variation 167659 (VCV000167659.27), dbSNP rs6432893, ClinGen allele CA180416.

ClinVar aggregate classification (germline): Benign/Likely benign. Review status: criteria provided, multiple submitters, no conflicts (2 of 4 stars). 15 submissions from 11 submitters: Benign (12); Likely benign (1). 2 of the submissions do not count toward it. Last evaluated 2026-02-04.

Conditions:
Channelopathy-associated congenital insensitivity to pain, autosomal recessive. Also called: ASYMBOLIA FOR PAIN; CONGENITAL ANALGESIA, AUTOSOMAL RECESSIVE; Insensitivity to pain, channelopathy-associated. Identifiers: Orphanet 88642, Orphanet 970, MedGen C1855739, MONDO:0009459, OMIM 243000.
Paroxysmal extreme pain disorder (PEXPD). Also called: SCN9A Paroxysmal Extreme Pain Disorder (SCN9A-PEPD); PAIN, SUBMANDIBULAR, OCULAR, AND RECTAL, WITH FLUSHING; RECTAL PAIN, FAMILIAL. Identifiers: Orphanet 46348, MedGen C1833661, MONDO:0008179, OMIM 167400.
Primary erythromelalgia. Also called: SCN9A Erythromelalgia (SCN9A-EM); primary erythermalgia. Identifiers: Orphanet 306577, Orphanet 90026, MedGen C0014805, MONDO:0007571, OMIM 133020.
Generalized epilepsy with febrile seizures plus, type 7 (GEFSP7). Also called: GEFS+, TYPE 7. Identifiers: Orphanet 36387, MedGen C2751778, MONDO:0013470, OMIM 613863.
Neuropathy, hereditary sensory and autonomic, type 2A (HSAN2A). Also called: ACROOSTEOLYSIS, GIACCAI TYPE; ACROOSTEOLYSIS, NEUROGENIC; MORVAN DISEASE; NEUROPATHY, HEREDITARY SENSORY, TYPE IIA; NEUROPATHY, PROGRESSIVE SENSORY, OF CHILDREN; NEUROPATHY, CONGENITAL SENSORY. Identifiers: Orphanet 970, MedGen C2752089, MONDO:0024309, OMIM 201300.

Allele frequency attached by ClinVar (database versions not stated): gnomAD exomes 0.49286; ExAC 0.52735; 1000 Genomes Project 0.54573; 1000 Genomes Project 30x 0.54919; ESP Exome Variant Server 0.56163; gnomAD 0.56480; TOPMed 0.56628.
gnomAD v4.1: 731,509 of 1,494,214 alleles (49%); highest among the groups gnomAD compares: African/African-American, 76%; 182,629 homozygotes.

Submissions (15):

Labcorp Genetics (formerly Invitae), Labcorp
Classification: Benign for Neuropathy, hereditary sensory and autonomic, type 2A; Generalized epilepsy with febrile seizures plus, type 7. Last evaluated: 2026-02-04. Review status: criteria provided, single submitter. Criteria: Invitae Variant Classification Sherloc (09022015). Collection method: clinical testing. Allele origin: germline.

Blueprint Genetics
Classification: Likely benign. Last evaluated: 2024-11-26. Review status: criteria provided, single submitter. Criteria: ACMG Guidelines, 2015. Collection method: clinical testing. Allele origin: germline.

Unidad de Genómica Garrahan, Hospital de Pediatría Garrahan
Classification: Benign. Last evaluated: 2024-07-15. Review status: criteria provided, single submitter. Criteria: ACMG Guidelines, 2015. Collection method: clinical testing. Allele origin: germline. Affected: no. Observed: 62 variant alleles.
Comment: This variant is classified as Benign based on local population frequency. This variant was detected in 67% of patients studied in a panel designed for Epileptic and Developmental Encephalopathy and Progressive Myoclonus Epilepsy. Number of patients: 62. Only high quality variants are reported.

Genome-Nilou Lab
Classification: Benign for Primary erythromelalgia. Last evaluated: 2021-07-15. Review status: criteria provided, single submitter. Criteria: ACMG Guidelines, 2015. Collection method: clinical testing. Allele origin: germline. Affected: no.

Genome-Nilou Lab
Classification: Benign for Channelopathy-associated congenital insensitivity to pain, autosomal recessive. Last evaluated: 2021-07-15. Review status: criteria provided, single submitter. Criteria: ACMG Guidelines, 2015. Collection method: clinical testing. Allele origin: germline. Affected: no.

Genome-Nilou Lab
Classification: Benign for Paroxysmal extreme pain disorder. Last evaluated: 2021-07-15. Review status: criteria provided, single submitter. Criteria: ACMG Guidelines, 2015. Collection method: clinical testing. Allele origin: germline. Affected: no.

Illumina Laboratory Services, Illumina
Classification: Benign for Channelopathy-associated congenital insensitivity to pain, autosomal recessive. Last evaluated: 2018-01-13. Review status: criteria provided, single submitter. Criteria: ICSL Variant Classification Criteria 13 December 2019. Collection method: clinical testing. Allele origin: germline.
Comment: This variant was observed in the ICSL laboratory as part of a predisposition screen in an ostensibly healthy population. It had not been previously curated by ICSL or reported in the Human Gene Mutation Database (HGMD: prior to June 1st, 2018), and was therefore a candidate for classification through an automated scoring system. Utilizing variant allele frequency, disease prevalence and penetrance estimates, and inheritance mode, an automated score was calculated to assess if this variant is too frequent to cause the disease. Based on the score and internal cut-off values, a variant classified as benign is not then subjected to further curation. The score for this variant resulted in a classification of benign for this disease.

Illumina Laboratory Services, Illumina
Classification: Benign for Primary erythromelalgia. Last evaluated: 2018-01-13. Review status: criteria provided, single submitter. Criteria: ICSL Variant Classification Criteria 13 December 2019. Collection method: clinical testing. Allele origin: germline.
Comment: the same text as in the submission from Illumina Laboratory Services, Illumina above.

Illumina Laboratory Services, Illumina
Classification: Benign for Paroxysmal extreme pain disorder. Last evaluated: 2018-01-13. Review status: criteria provided, single submitter. Criteria: ICSL Variant Classification Criteria 13 December 2019. Collection method: clinical testing. Allele origin: germline.
Comment: the same text as in the submission from Illumina Laboratory Services, Illumina above.

Eurofins Ntd Llc (ga)
Classification: Benign. Last evaluated: 2017-07-24. Review status: criteria provided, single submitter. Criteria: EGL Classification Definitions 2015. Collection method: clinical testing. Allele origin: germline. Observed: 4 variant alleles, 2 heterozygotes, 2 homozygotes.

GeneDx
Classification: Benign. Last evaluated: 2015-03-03. Review status: criteria provided, single submitter. Criteria: GeneDx Variant Classification Process June 2021. Collection method: clinical testing. Allele origin: germline. Affected: yes.

Breakthrough Genomics
Classification: Benign. Review status: criteria provided, single submitter. Criteria: ACMG Guidelines, 2015. Collection method: not provided. Allele origin: germline. Inheritance: Autosomal recessive inheritance. Affected: yes.

PreventionGenetics, part of Exact Sciences
Classification: Benign. Review status: criteria provided, single submitter. Criteria: ACMG Guidelines, 2015. Collection method: clinical testing. Allele origin: germline.

Diagnostic Laboratory, Department of Genetics, University Medical Center Groningen
Classification: Benign. Review status: no assertion criteria provided. Collection method: clinical testing. Allele origin: germline. Affected: yes. Study: VKGL Data-share Consensus. Not counted in ClinVar's aggregate classification.

Genome Diagnostics Laboratory, University Medical Center Utrecht
Classification: Benign. Review status: no assertion criteria provided. Collection method: clinical testing. Allele origin: germline. Affected: yes. Study: VKGL Data-share Consensus. Not counted in ClinVar's aggregate classification.